The following is an entry in ClinVar:

NM_002615.7(SERPINF1):c.787-322C>T

Gene: SERPINF1 (serpin family F member 1; plus strand). Cytogenetic location: 17p13.3.
Variant type: single nucleotide variant.
Coding change: c.787-322C>T on transcript NM_002615.7 (MANE Select); 322 bases into the intron before coding-DNA position 787, C replaced by T.
Molecular consequence: intron variant.
Genome position (GRCh38, 1-based): chr17:1,776,210, C>T. VCF-style: chr17-1776210-C-T. GRCh37 (hg19) VCF-style: chr17-1679504-C-T.
Other names: c.226-322C>T (NM_001329904.2, NM_001329905.2); c.787-322C>T (NM_001329903.2).
Identifiers: ClinVar variation 673519 (VCV000673519.1), dbSNP rs117830091, ClinGen allele CA286850932.

ClinVar aggregate classification (germline): Likely benign (1 of 4 stars; one submission).

Allele frequency attached by ClinVar (database versions not stated): gnomAD 0.00740 and 0.00829; TOPMed 0.00752; 1000 Genomes Project 0.01038; 1000 Genomes Project 30x 0.01077.
gnomAD v4.1: 1,260 of 152,196 alleles (0.83%); highest among the groups gnomAD compares: South Asian, 3.4%; 9 homozygotes.

Submission:

GeneDx
Classification: Likely benign. Last evaluated: 2018-06-16. Review status: criteria provided, single submitter. Criteria: GeneDx Variant Classification (06012015). Collection method: clinical testing. Allele origin: germline. Affected: yes.
Comment: This variant is considered likely benign or benign based on one or more of the following criteria: it is a conservative change, it occurs at a poorly conserved position in the protein, it is predicted to be benign by multiple in silico algorithms, and/or has population frequency not consistent with disease.